The following is an entry in ClinVar:

NM_014270.5(SLC7A9):c.1346T>C (p.Leu449Ser)

Gene: SLC7A9 (solute carrier family 7 member 9; minus strand). Cytogenetic location: 19q13.11.
Variant type: single nucleotide variant.
Coding change: c.1346T>C on transcript NM_014270.5 (MANE Select); coding-DNA position 1346, T replaced by C.
Protein change: p.Leu449Ser; replaces leucine 449 with serine.
Molecular consequence: missense variant.
Genome position (GRCh38, 1-based): chr19:32,833,202, A>G on the plus strand (T>C on the coding strand, the complement: SLC7A9 is on the minus strand). VCF-style: chr19-32833202-A-G. GRCh37 (hg19) VCF-style: chr19-33324108-A-G.
Other names: c.1346T>C, p.Leu449Ser (NM_001126335.2, NM_001243036.2); short protein forms L449S.
Identifiers: ClinVar variation 4738201 (VCV004738201.1).
Genomic context (GRCh38, chr19:32,833,202, plus strand): 5'-TACTTACTTGAGATTTTCTGAGCCCATCCAAACTTGTAGTGGACAAACAGGAAGTAAAAT[A>G]AAAGGCCGCTTAATATAAACAGCACACAGTAGAGGTACTCCCAGGTGGGCTTGCTGATGA-3'
Protein context (NP_055085.1, residues 439-459): YCVLFILSGL[Leu449Ser]FYFLFVHYKF

ClinVar aggregate classification (germline): Uncertain significance (1 of 4 stars; one submission).

Submission:

Labcorp Genetics (formerly Invitae), Labcorp
Classification: Uncertain significance. Last evaluated: 2025-07-13. Review status: criteria provided, single submitter. Criteria: Invitae Variant Classification Sherloc (09022015). Collection method: clinical testing. Allele origin: germline.
Comment: This sequence change replaces leucine, which is neutral and non-polar, with serine, which is neutral and polar, at codon 449 of the SLC7A9 protein (p.Leu449Ser). This variant is not present in population databases (gnomAD no frequency). This variant has not been reported in the literature in individuals affected with SLC7A9-related conditions. Invitae Evidence Modeling of protein sequence and biophysical properties (such as structural, functional, and spatial information, amino acid conservation, physicochemical variation, residue mobility, and thermodynamic stability) indicates that this missense variant is not expected to disrupt SLC7A9 protein function with a negative predictive value of 80%. In summary, the available evidence is currently insufficient to determine the role of this variant in disease. Therefore, it has been classified as a Variant of Uncertain Significance.